The following is an entry in ClinVar:

ClinVar aggregate classification (germline): Uncertain significance (1 of 4 stars; one submission).

Allele frequency attached by ClinVar (database versions not stated): gnomAD exomes below 0.00001; TOPMed below 0.00001.
gnomAD v4.1: 2 of 1,614,104 alleles (0.00012%); highest among the groups gnomAD compares: Middle Eastern, 0.016%; no homozygotes.

Submission:

Labcorp Genetics (formerly Invitae), Labcorp
Classification: Uncertain significance. Last evaluated: 2024-01-02. Review status: criteria provided, single submitter. Criteria: Invitae Variant Classification Sherloc (09022015). Collection method: clinical testing. Allele origin: germline.
Comment: This sequence change replaces serine, which is neutral and polar, with glycine, which is neutral and non-polar, at codon 259 of the VCAN protein (p.Ser259Gly). This variant is present in population databases (no rsID available, gnomAD 0.003%). This variant has not been reported in the literature in individuals affected with VCAN-related conditions. An algorithm developed to predict the effect of missense changes on protein structure and function (PolyPhen-2) suggests that this variant is likely to be tolerated. In summary, the available evidence is currently insufficient to determine the role of this variant in disease. Therefore, it has been classified as a Variant of Uncertain Significance.

NM_004385.5(VCAN):c.775A>G (p.Ser259Gly)

Gene: VCAN (versican; plus strand). Cytogenetic location: 5q14.3.
Variant type: single nucleotide variant.
Coding change: c.775A>G on transcript NM_004385.5 (MANE Select); coding-DNA position 775, A replaced by G.
Protein change: p.Ser259Gly; replaces serine 259 with glycine.
Molecular consequence: missense variant.
Genome position (GRCh38, 1-based): chr5:83,512,129, A>G. VCF-style: chr5-83512129-A-G. GRCh37 (hg19) VCF-style: chr5-82807948-A-G.
Other names: c.775A>G, p.Ser259Gly (NM_001126336.3, NM_001164097.2, NM_001164098.2); short protein forms S259G.
Identifiers: ClinVar variation 2857884 (VCV002857884.3), dbSNP rs1204706702, ClinGen allele CA360297866.
Genomic context (GRCh38, chr5:83,512,129, plus strand): 5'-ACTTTGGGCTTTTTTTCCCTTCTTTTTTTTCCAGGTGATGTGTTCCACCTCACTGTCCCC[A>G]GTAAATTCACCTTCGAGGAGGCTGCAAAAGAGTGTGAAAACCAGGATGCCAGGCTGGCAA-3'
Protein context (NP_004376.2, residues 249-269): DGDVFHLTVP[Ser259Gly]KFTFEEAAKE